The following is an entry in ClinVar:

ClinVar aggregate classification (germline): Uncertain significance (1 of 4 stars; one submission).

Conditions:
Dilated cardiomyopathy 1G (CMD1G). Identifiers: Orphanet 154, MedGen C1858763, MONDO:0011400, OMIM 604145.
Autosomal recessive limb-girdle muscular dystrophy type 2J (LGMDR10). Also called: MUSCULAR DYSTROPHY, LIMB-GIRDLE, AUTOSOMAL RECESSIVE 10; Limb-girdle muscular dystrophy, type 2J. Identifiers: Orphanet 140922, MedGen C1837342, MONDO:0012127, OMIM 608807.

Allele frequency attached by ClinVar (database versions not stated): TOPMed below 0.00001; gnomAD 0.00001.
gnomAD v4.1: 1 of 1,613,794 alleles (0.000062%); highest among the groups gnomAD compares: African/African-American, 0.0013%; no homozygotes.

Submission:

Labcorp Genetics (formerly Invitae), Labcorp
Classification: Uncertain significance for Dilated cardiomyopathy 1G; Autosomal recessive limb-girdle muscular dystrophy type 2J. Last evaluated: 2021-11-24. Review status: criteria provided, single submitter. Criteria: Invitae Variant Classification Sherloc (09022015). Collection method: clinical testing. Allele origin: germline.
Comment: This sequence change replaces glutamic acid, which is acidic and polar, with glycine, which is neutral and non-polar, at codon 34554 of the TTN protein (p.Glu34554Gly). This variant is present in population databases (no rsID available, gnomAD 0.01%). This variant is located in the M band of TTN (PMID: 25589632). Variants in this region may be relevant for neuromuscular disorders, but have not been definitively shown to cause cardiomyopathy (PMID: 23975875). In summary, the available evidence is currently insufficient to determine the role of this variant in disease. Therefore, it has been classified as a Variant of Uncertain Significance. Experimental studies and prediction algorithms are not available or were not evaluated, and the functional significance of this variant is currently unknown. This variant has not been reported in the literature in individuals affected with TTN-related conditions.

Literature cited by the submitters: PubMed 25589632; PubMed 23975875.

NM_001267550.2(TTN):c.103661A>G (p.Glu34554Gly)

Genes: TTN (titin; minus strand), TTN-AS1 (TTN antisense RNA 1; plus strand). Cytogenetic location: 2q31.2.
Variant type: single nucleotide variant.
Coding change: c.103661A>G on transcript NM_001267550.2 (MANE Select); coding-DNA position 103661, A replaced by G.
Protein change: p.Glu34554Gly; replaces glutamic acid 34554 with glycine.
Molecular consequence: missense variant.
Genome position (GRCh38, 1-based): chr2:178,532,954, T>C on the plus strand (A>G on the coding strand, the complement: TTN is on the minus strand). VCF-style: chr2-178532954-T-C. GRCh37 (hg19) VCF-style: chr2-179397681-T-C.
Other names: c.98738A>G, p.Glu32913Gly (NM_001256850.1); c.76466A>G, p.Glu25489Gly (NM_003319.4); c.95957A>G, p.Glu31986Gly (NM_133378.4); c.76841A>G, p.Glu25614Gly (NM_133432.3); c.77042A>G, p.Glu25681Gly (NM_133437.4); short protein forms E25489G, E31986G, E32913G, E34554G, E25614G, E25681G.
Identifiers: ClinVar variation 1505436 (VCV001505436.6), dbSNP rs1202031815, ClinGen allele CA349413789.
Genomic context (GRCh38, chr2:178,532,954, plus strand): 5'-ATCTTTTTATACCACTTCATGTCAGACATGGGCACGAACTGCTTGATGCGTTGGTCTTCT[T>C]CTATGGTAGTCTGCTTATACTTGCGTGGCTCTGGTACATCATAAGGCATCCGGAGTTTTC-3'
Protein context (NP_001254479.2, residues 34544-34564): EPRKYKQTTI[Glu34554Gly]EDQRIKQFVP